The following is an entry in ClinVar:

ClinVar aggregate classification (germline): Pathogenic (1 of 4 stars; one submission).

Conditions:
Congenital myasthenic syndrome (CMS). Also called: Congenital Myasthenic Syndromes. Identifiers: Orphanet 590, MedGen C0751882, MeSH D020294, MONDO:0018940.

Submission:

Myriad Genetics, Inc.
Classification: Pathogenic for Congenital myasthenic syndrome. Last evaluated: 2025-08-23. Review status: criteria provided, single submitter. Criteria: Myriad Autosomal Dominant, Autosomal Recessive and X-Linked Classification Criteria (2023). Collection method: clinical testing. Allele origin: unknown.
Comment: NM_000080.3(CHRNE):c.560dupA(T188Dfs*14) is expected to be pathogenic in the context of congenital myasthenic syndrome, CHRNE-related. This variant is predicted to lead to an abnormal or absent protein product due to the creation of a premature termination codon in CHRNE, a gene where loss-of-function variants are known to be pathogenic. Please note: this variant was assessed in the context of healthy population screening.

NM_000080.4(CHRNE):c.560dup (p.Thr188fs)

Genes: C17orf107 (chromosome 17 open reading frame 107; plus strand), CHRNE (cholinergic receptor nicotinic epsilon subunit; minus strand). Cytogenetic location: 17p13.2.
Variant type: Duplication.
Coding change: c.560dup on transcript NM_000080.4 (MANE Select); coding-DNA position 560, one base duplicated (A; older notation c.560dupA).
Protein change: p.Thr188fs; shifts the reading frame from threonine 188.
Molecular consequence: frameshift variant. On other transcripts: 3 prime UTR variant (1).
Genome position (GRCh38, 1-based): chr17:4,901,566, T duplicated on the plus strand (A on the coding strand, the reverse complement: CHRNE is on the minus strand); the first of 2 consecutive T bases (chr17:4,901,566-4,901,567); duplicating either gives the same sequence. VCF-style (leftmost placement, unchanged base first): chr17-4901565-C-CT. GRCh37 (hg19) VCF-style: chr17-4804860-C-CT.
Other names: c.*1034dup (NM_001145536.2); short protein forms T188fs.
Identifiers: ClinVar variation 5014906 (VCV005014906.1).